The following is an entry in ClinVar:

ClinVar aggregate classification (germline): Conflicting classifications of pathogenicity. Review status: criteria provided, conflicting classifications (1 of 4 stars). 8 submissions from 8 submitters: Uncertain significance (1); Benign (1); Likely benign (6). Last evaluated 2025-11-25.

Conditions:
Cardiovascular phenotype. Identifiers: MedGen CN230736.
Cardiomyopathy (CMYO). Also called: Cardiomyopathies. Identifiers: Orphanet 167848, MedGen C0878544, MONDO:0004994, HP:0001638. Inheritance: Various modes of inheritance.
Hypertrophic cardiomyopathy. Also called: HYPERTROPHIC MYOCARDIOPATHY. Identifiers: Orphanet 217569, MedGen C0007194, MeSH D002312, MONDO:0005045, HP:0001639.

Allele frequency attached by ClinVar (database versions not stated): gnomAD exomes 0.00003 and 0.00004; ExAC 0.00005; gnomAD 0.00005 and 0.00006; TOPMed 0.00007; ESP Exome Variant Server 0.00008.
gnomAD v4.1: 58 of 1,614,110 alleles (0.0036%); highest among the groups gnomAD compares: Middle Eastern, 0.016%; no homozygotes.

Submissions (8):

Labcorp Genetics (formerly Invitae), Labcorp
Classification: Likely benign for Hypertrophic cardiomyopathy. Last evaluated: 2025-11-25. Review status: criteria provided, single submitter. Criteria: Invitae Variant Classification Sherloc (09022015). Collection method: clinical testing. Allele origin: germline.

CeGaT Center for Human Genetics Tuebingen
Classification: Likely benign. Last evaluated: 2024-11-01. Review status: criteria provided, single submitter. Criteria: CeGaT Center For Human Genetics Tuebingen Variant Classification Criteria Version 2. Collection method: clinical testing. Allele origin: germline. Affected: yes. Observed: 1 variant allele.
Comment: MYH7: BP4, BP7

All of Us Research Program, National Institutes of Health
Classification: Likely benign for Cardiomyopathy. Last evaluated: 2024-01-11. Review status: criteria provided, single submitter. Criteria: ACMG Guidelines, 2015. Collection method: clinical testing. Allele origin: germline. Inheritance: Autosomal dominant inheritance. Observed: 14 variant alleles, 14 heterozygotes.
Comment: This study involves interpretation of variants in research participants for the purpose of population health screening. Participant phenotype was not available at the time of variant classification. Additional details can be found in publication PMID: 35346344, PMCID: PMC8962531

Blueprint Genetics
Classification: Likely benign. Last evaluated: 2021-07-05. Review status: criteria provided, single submitter. Criteria: ACMG Guidelines, 2015. Collection method: clinical testing. Allele origin: germline.

Color Diagnostics, LLC DBA Color Health
Classification: Likely benign for Cardiomyopathy. Last evaluated: 2018-10-21. Review status: criteria provided, single submitter. Criteria: ACMG Guidelines, 2015. Collection method: clinical testing. Allele origin: germline.

Eurofins Ntd Llc (ga)
Classification: Uncertain significance. Last evaluated: 2016-06-23. Review status: criteria provided, single submitter. Criteria: EGL Classification Definitions 2015. Collection method: clinical testing. Allele origin: germline. Observed: 1 variant allele, 1 heterozygote.

Ambry Genetics
Classification: Likely benign for Cardiovascular phenotype. Last evaluated: 2016-01-13. Review status: criteria provided, single submitter. Criteria: Ambry Variant Classification Scheme 2023. Collection method: clinical testing. Allele origin: germline.

GeneDx
Classification: Benign. Last evaluated: 2014-03-26. Review status: criteria provided, single submitter. Criteria: GeneDx Variant Classification (06012015). Collection method: clinical testing. Allele origin: germline. Affected: yes.
Comment: This variant is considered likely benign or benign based on one or more of the following criteria: it is a conservative change, it occurs at a poorly conserved position in the protein, it is predicted to be benign by multiple in silico algorithms, and/or has population frequency not consistent with disease.

NM_000257.4(MYH7):c.714C>T (p.Asn238=)

Gene: MYH7 (myosin heavy chain 7; minus strand). Cytogenetic location: 14q11.2.
Variant type: single nucleotide variant.
Coding change: c.714C>T on transcript NM_000257.4 (MANE Select); coding-DNA position 714, C replaced by T.
Protein change: p.Asn238=; no amino-acid change (asparagine 238 retained).
Molecular consequence: synonymous variant.
Genome position (GRCh38, 1-based): chr14:23,431,603, G>A on the plus strand (C>T on the coding strand, the complement: MYH7 is on the minus strand). VCF-style: chr14-23431603-G-A. GRCh37 (hg19) VCF-style: chr14-23900812-G-A.
Other names: p.N238N:AAC>AAT; c.714C>T (LRG_384t1).
Identifiers: ClinVar variation 138390 (VCV000138390.35), dbSNP rs202141819, ClinGen allele CA016674.